The following is an entry in ClinVar:

NM_144999.4(LRRC45):c.266delinsCCTT (p.Arg89delinsProPhe)

Gene: LRRC45 (leucine rich repeat containing 45; plus strand). Cytogenetic location: 17q25.3.
Variant type: Indel.
Coding change: c.266delinsCCTT on transcript NM_144999.4 (MANE Select); coding-DNA position 266, G replaced by CCTT.
Protein change: p.Arg89delinsProPhe.
Molecular consequence: inframe indel.
Genome position (GRCh38, 1-based): chr17:82,024,323, G replaced by CCTT. VCF-style: chr17-82024323-G-CCTT. GRCh37 (hg19) VCF-style: chr17-79982199-G-CCTT.
Identifiers: ClinVar variation 4994044 (VCV004994044.1).

ClinVar aggregate classification (germline): Uncertain significance (1 of 4 stars; one submission).

Conditions:
LRRC45-related disorder. Also called: LRRC45-related condition.

Submission:

PreventionGenetics, part of Exact Sciences
Classification: Uncertain significance for LRRC45-related condition. Last evaluated: 2025-12-22. Review status: criteria provided, single submitter. Criteria: ACMG Guidelines, 2015. Collection method: clinical testing. Allele origin: germline.
Comment: The LRRC45 c.266delinsCCTT variant is predicted to result in an in-frame deletion and insertion. To our knowledge, this variant has not been reported in the literature or in a large population database (gnomAD), indicating this variant is rare. At this time, the clinical significance of this variant is uncertain due to the absence of conclusive functional and genetic evidence.